The following is an entry in ClinVar:

NM_002272.4(KRT4):c.1192C>T (p.His398Tyr)

Gene: KRT4 (keratin 4; minus strand). Cytogenetic location: 12q13.13.
Variant type: single nucleotide variant.
Coding change: c.1192C>T on transcript NM_002272.4 (MANE Select); coding-DNA position 1192, C replaced by T.
Protein change: p.His398Tyr; replaces histidine 398 with tyrosine.
Molecular consequence: missense variant.
Genome position (GRCh38, 1-based): chr12:52,807,798, G>A on the plus strand (C>T on the coding strand, the complement: KRT4 is on the minus strand). VCF-style: chr12-52807798-G-A. GRCh37 (hg19) VCF-style: chr12-53201582-G-A.
Other names: short protein forms H398Y.
Identifiers: ClinVar variation 309674 (VCV000309674.6), dbSNP rs374654554, ClinGen allele CA6588475.

ClinVar aggregate classification (germline): Likely benign. Review status: criteria provided, multiple submitters, no conflicts (2 of 4 stars). 2 submissions from 2 submitters: Likely benign (2). Last evaluated 2025-08-23.

Conditions:
Inborn genetic diseases. Identifiers: MedGen C0950123, MeSH D030342.
White sponge nevus 1. Also called: LEUKOKERATOSIS, HEREDITARY MUCOSAL. Identifiers: MedGen C4011926, MONDO:0008676, OMIM 193900.

Allele frequency attached by ClinVar (database versions not stated): ExAC 0.00002; gnomAD exomes 0.00002 and 0.00003; TOPMed 0.00003; gnomAD 0.00004; ESP Exome Variant Server 0.00008.
gnomAD v4.1: 52 of 1,614,016 alleles (0.0032%); highest among the groups gnomAD compares: Non-Finnish European, 0.0044%; no homozygotes.

Submissions (2):

Ambry Genetics
Classification: Likely benign for Inborn genetic diseases. Last evaluated: 2025-08-23. Review status: criteria provided, single submitter. Criteria: Ambry Variant Classification Scheme 2023. Collection method: clinical testing. Allele origin: germline.

Illumina Laboratory Services, Illumina
Classification: Likely benign for White sponge nevus 1. Last evaluated: 2018-01-13. Review status: criteria provided, single submitter. Criteria: ICSL Variant Classification Criteria 13 December 2019. Collection method: clinical testing. Allele origin: germline.
Comment: This variant was observed in the ICSL laboratory as part of a predisposition screen in an ostensibly healthy population. It had not been previously curated by ICSL or reported in the Human Gene Mutation Database (HGMD: prior to June 1st, 2018), and was therefore a candidate for classification through an automated scoring system. Utilizing variant allele frequency, disease prevalence and penetrance estimates, and inheritance mode, an automated score was calculated to assess if this variant is too frequent to cause the disease. Based on the score and internal cut-off values, a variant classified as likely benign is not then subjected to further curation. The score for this variant resulted in a classification of likely benign for this disease.